The following is an entry in ClinVar:

NM_015978.3(TNNI3K):c.2441C>A (p.Ser814Tyr)

Genes: FPGT-TNNI3K (FPGT-TNNI3K readthrough; plus strand), TNNI3K (TNNI3 interacting kinase; plus strand). Cytogenetic location: 1p31.1.
Variant type: single nucleotide variant.
Coding change: c.2441C>A on transcript NM_015978.3 (MANE Select); coding-DNA position 2441, C replaced by A.
Protein change: p.Ser814Tyr; replaces serine 814 with tyrosine.
Molecular consequence: missense variant.
Genome position (GRCh38, 1-based): chr1:74,543,915, C>A. VCF-style: chr1-74543915-C-A. GRCh37 (hg19) VCF-style: chr1-75009599-C-A.
Other names: c.2744C>A, p.Ser915Tyr (NM_001112808.3); short protein forms S915Y, S814Y.
Identifiers: ClinVar variation 4727946 (VCV004727946.1).

ClinVar aggregate classification (germline): Uncertain significance (1 of 4 stars; one submission).

gnomAD v4.1: 1 of 1,613,452 alleles (0.000062%); highest among the groups gnomAD compares: Non-Finnish European, 0.000085%; no homozygotes.

Submission:

Labcorp Genetics (formerly Invitae), Labcorp
Classification: Uncertain significance. Last evaluated: 2025-09-27. Review status: criteria provided, single submitter. Criteria: Invitae Variant Classification Sherloc (09022015). Collection method: clinical testing. Allele origin: germline.
Comment: This sequence change replaces serine, which is neutral and polar, with tyrosine, which is neutral and polar, at codon 814 of the TNNI3K protein (p.Ser814Tyr). This variant is not present in population databases (gnomAD no frequency). This variant has not been reported in the literature in individuals affected with TNNI3K-related conditions. An algorithm developed to predict the effect of missense changes on protein structure and function (PolyPhen-2) suggests that this variant is likely to be disruptive. In summary, the available evidence is currently insufficient to determine the role of this variant in disease. Therefore, it has been classified as a Variant of Uncertain Significance.